The following is an entry in ClinVar:

ClinVar aggregate classification (germline): Benign/Likely benign. Review status: criteria provided, multiple submitters, no conflicts (2 of 4 stars). 4 submissions from 4 submitters: Benign (2); Likely benign (2). Last evaluated 2026-01-19.

Conditions:
Cystinuria (CSNU). Also called: CYSTINURIA, TYPE I; CYSTINURIA, TYPE II; CYSTINURIA, TYPE III; Cystinuria, non-type I. Identifiers: Orphanet 214, MedGen C0010691, MONDO:0009067, OMIM 220100, HP:0003131.
SLC7A9-related disorder. Also called: SLC7A9-related condition.

Allele frequency attached by ClinVar (database versions not stated): TOPMed 0.00680; ESP Exome Variant Server 0.00707; 1000 Genomes Project 0.00719; gnomAD 0.00749; 1000 Genomes Project 30x 0.00843.
gnomAD v4.1: 2,121 of 1,613,586 alleles (0.13%); highest among the groups gnomAD compares: African/African-American, 2.3%; 24 homozygotes.

Submissions (4):

Labcorp Genetics (formerly Invitae), Labcorp
Classification: Benign. Last evaluated: 2026-01-19. Review status: criteria provided, single submitter. Criteria: Invitae Variant Classification Sherloc (09022015). Collection method: clinical testing. Allele origin: germline.

PreventionGenetics, part of Exact Sciences
Classification: Benign for SLC7A9-related condition. Last evaluated: 2024-12-14. Review status: criteria provided, single submitter. Criteria: ACMG Guidelines, 2015. Collection method: clinical testing. Allele origin: germline.
Comment: This variant is classified as benign based on ACMG/AMP sequence variant interpretation guidelines (Richards et al. 2015 PMID: 25741868, with internal and published modifications).

Illumina Laboratory Services, Illumina
Classification: Likely benign for Cystinuria. Last evaluated: 2018-01-13. Review status: criteria provided, single submitter. Criteria: ICSL Variant Classification Criteria 13 December 2019. Collection method: clinical testing. Allele origin: germline.
Comment: This variant was observed in the ICSL laboratory as part of a predisposition screen in an ostensibly healthy population. It had not been previously curated by ICSL or reported in the Human Gene Mutation Database (HGMD: prior to June 1st, 2018), and was therefore a candidate for classification through an automated scoring system. Utilizing variant allele frequency, disease prevalence and penetrance estimates, and inheritance mode, an automated score was calculated to assess if this variant is too frequent to cause the disease. Based on the score and internal cut-off values, a variant classified as likely benign is not then subjected to further curation. The score for this variant resulted in a classification of likely benign for this disease.

Breakthrough Genomics
Classification: Likely benign. Review status: criteria provided, single submitter. Criteria: ACMG Guidelines, 2015. Collection method: not provided. Allele origin: germline. Inheritance: Autosomal dominant inheritance. Affected: yes.

NM_014270.5(SLC7A9):c.228G>C (p.Ala76=)

Gene: SLC7A9 (solute carrier family 7 member 9; minus strand). Cytogenetic location: 19q13.11.
Variant type: single nucleotide variant.
Coding change: c.228G>C on transcript NM_014270.5 (MANE Select); coding-DNA position 228, G replaced by C.
Protein change: p.Ala76=; no amino-acid change (alanine 76 retained).
Molecular consequence: synonymous variant.
Genome position (GRCh38, 1-based): chr19:32,864,636, C>G on the plus strand (G>C on the coding strand, the complement: SLC7A9 is on the minus strand). VCF-style: chr19-32864636-C-G. GRCh37 (hg19) VCF-style: chr19-33355542-C-G.
Other names: c.228G>C, p.Ala76= (NM_001126335.2, NM_001243036.2).
Identifiers: ClinVar variation 328766 (VCV000328766.15), dbSNP rs34310174, ClinGen allele CA9358912.